The following is an entry in ClinVar:

ClinVar aggregate classification (germline): Benign/Likely benign. Review status: criteria provided, multiple submitters, no conflicts (2 of 4 stars). 4 submissions from 4 submitters: Benign (1); Likely benign (2). 1 of the submissions does not count toward it. Last evaluated 2025-10-10.

Conditions:
KLHL24-related disorder. Also called: KLHL24-related condition.

Allele frequency attached by ClinVar (database versions not stated): ESP Exome Variant Server 0.00069; TOPMed 0.00073; gnomAD 0.00115 and 0.00121; gnomAD exomes 0.00116 and 0.00118; ExAC 0.00131.
gnomAD v4.1: 1,866 of 1,614,200 alleles (0.12%); highest among the groups gnomAD compares: Non-Finnish European, 0.14%; 5 homozygotes.

Submissions (4):

Labcorp Genetics (formerly Invitae), Labcorp
Classification: Benign. Last evaluated: 2025-10-10. Review status: criteria provided, single submitter. Criteria: Invitae Variant Classification Sherloc (09022015). Collection method: clinical testing. Allele origin: germline.

Blueprint Genetics
Classification: Likely benign. Last evaluated: 2024-11-25. Review status: criteria provided, single submitter. Criteria: ACMG Guidelines, 2015. Collection method: clinical testing. Allele origin: germline.

CeGaT Center for Human Genetics Tuebingen
Classification: Likely benign. Last evaluated: 2024-07-01. Review status: criteria provided, single submitter. Criteria: CeGaT Center For Human Genetics Tuebingen Variant Classification Criteria Version 2. Collection method: clinical testing. Allele origin: germline. Affected: yes. Observed: 2 variant alleles.
Comment: KLHL24: BP4, BP7

PreventionGenetics, part of Exact Sciences
Classification: Likely benign for KLHL24-related condition. Last evaluated: 2024-04-30. Review status: no assertion criteria provided. Collection method: clinical testing. Allele origin: germline. Not counted in ClinVar's aggregate classification.
Comment: This variant is classified as likely benign based on ACMG/AMP sequence variant interpretation guidelines (Richards et al. 2015 PMID: 25741868, with internal and published modifications).

NM_017644.3(KLHL24):c.846T>C (p.Tyr282=)

Gene: KLHL24 (kelch like family member 24; plus strand). Cytogenetic location: 3q27.1.
Variant type: single nucleotide variant.
Coding change: c.846T>C on transcript NM_017644.3 (MANE Select); coding-DNA position 846, T replaced by C.
Protein change: p.Tyr282=; no amino-acid change (tyrosine 282 retained).
Molecular consequence: synonymous variant. On other transcripts: 5 prime UTR variant (2), non-coding transcript variant (2).
Genome position (GRCh38, 1-based): chr3:183,651,202, T>C. VCF-style: chr3-183651202-T-C. GRCh37 (hg19) VCF-style: chr3-183368990-T-C.
Other names: c.846T>C, p.Tyr282= (NM_001349413.1, NM_001349414.1, NM_001349415.1 and 11 more transcripts); c.-121T>C (NM_001349428.1, NM_001349429.1).
Identifiers: ClinVar variation 1639405 (VCV001639405.33), dbSNP rs201498239, ClinGen allele CA2721621.